The following is an entry in ClinVar:

NM_005475.3(SH2B3):c.146C>T (p.Ala49Val)

Gene: SH2B3 (SH2B adaptor protein 3; plus strand). Cytogenetic location: 12q24.12.
Variant type: single nucleotide variant.
Coding change: c.146C>T on transcript NM_005475.3 (MANE Select); coding-DNA position 146, C replaced by T.
Protein change: p.Ala49Val; replaces alanine 49 with valine.
Molecular consequence: missense variant.
Genome position (GRCh38, 1-based): chr12:111,418,291, C>T. VCF-style: chr12-111418291-C-T. GRCh37 (hg19) VCF-style: chr12-111856095-C-T.
Other names: short protein forms A49V.
Identifiers: ClinVar variation 4842832 (VCV004842832.1).

ClinVar aggregate classification (germline): Uncertain significance (1 of 4 stars; one submission).

Conditions:
Inborn genetic diseases. Identifiers: MedGen C0950123, MeSH D030342.

Submission:

Ambry Genetics
Classification: Uncertain significance for Inborn genetic diseases. Last evaluated: 2026-01-13. Review status: criteria provided, single submitter. Criteria: Ambry Variant Classification Scheme 2023. Collection method: clinical testing. Allele origin: germline.
Comment: The p.A49V variant (also known as c.146C>T), located in coding exon 1 of the SH2B3 gene, results from a C to T substitution at nucleotide position 146. The alanine at codon 49 is replaced by valine, an amino acid with similar properties. This amino acid position is conserved. In addition, this alteration is predicted to be tolerated by in silico analysis. Based on the available evidence, the clinical significance of this variant remains unclear.